The following is an entry in ClinVar:

ClinVar aggregate classification (germline): Uncertain significance (1 of 4 stars; one submission).

Conditions:
Deficiency of hyaluronoglucosaminidase (MPS9). Also called: Mucopolysaccharidosis type 9; HYALURONIDASE DEFICIENCY; MPS IX. Identifiers: Orphanet 67041, MedGen C1291490, MONDO:0011093, OMIM 601492.

Submission:

Labcorp Genetics (formerly Invitae), Labcorp
Classification: Uncertain significance for Deficiency of hyaluronoglucosaminidase. Last evaluated: 2024-06-13. Review status: criteria provided, single submitter. Criteria: Invitae Variant Classification Sherloc (09022015). Collection method: clinical testing. Allele origin: germline.
Comment: This sequence change creates a premature translational stop signal (p.Arg419*) in the HYAL1 gene. While this is not anticipated to result in nonsense mediated decay, it is expected to disrupt the last 17 amino acid(s) of the HYAL1 protein. This variant is present in population databases (rs782309467, gnomAD 0.0009%). This variant has not been reported in the literature in individuals affected with HYAL1-related conditions. Experimental studies and prediction algorithms are not available or were not evaluated, and the functional significance of this variant is currently unknown. In summary, the available evidence is currently insufficient to determine the role of this variant in disease. Therefore, it has been classified as a Variant of Uncertain Significance.

NM_033159.4(HYAL1):c.1255C>T (p.Arg419Ter)

Gene: HYAL1 (hyaluronidase 1; minus strand). Cytogenetic location: 3p21.31.
Variant type: single nucleotide variant.
Coding change: c.1255C>T on transcript NM_033159.4 (MANE Select); coding-DNA position 1255, C replaced by T.
Protein change: p.Arg419Ter; replaces arginine 419 with a stop codon.
Molecular consequence: nonsense. On other transcripts: non-coding transcript variant (1).
Genome position (GRCh38, 1-based): chr3:50,300,536, G>A on the plus strand (C>T on the coding strand, the complement: HYAL1 is on the minus strand). VCF-style: chr3-50300536-G-A. GRCh37 (hg19) VCF-style: chr3-50337967-G-A.
Other names: c.1255C>T, p.Arg419Ter (NM_153281.2); c.1165C>T, p.Arg389Ter (NM_153282.3); c.709C>T, p.Arg237Ter (NM_153283.3); c.478C>T, p.Arg160Ter (NM_153285.3); short protein forms R389*, R419*, R160*, R237*.
Identifiers: ClinVar variation 3703347 (VCV003703347.2).
Genomic context (GRCh38, chr3:50,300,536, plus strand): 5'-TGGCCAATCACCACATGCTCTTCCGCTCACACCACGGTGCCTGCCAGCCAGGGTAGCATC[G>A]ACATTTGAACTCCACAGCCATCTGTGCCTGATCTTCAAGTGAGAGGGCACCCCGCAGGCT-3'